The following is an entry in ClinVar:

NM_152281.3(GORAB):c.260G>A (p.Ser87Asn)

Gene: GORAB (golgin, RAB6 interacting; plus strand). Cytogenetic location: 1q24.2.
Variant type: single nucleotide variant.
Coding change: c.260G>A on transcript NM_152281.3 (MANE Select); coding-DNA position 260, G replaced by A.
Protein change: p.Ser87Asn; replaces serine 87 with asparagine.
Molecular consequence: missense variant. On other transcripts: 5 prime UTR variant (1), non-coding transcript variant (1).
Genome position (GRCh38, 1-based): chr1:170,539,408, G>A. VCF-style: chr1-170539408-G-A. GRCh37 (hg19) VCF-style: chr1-170508549-G-A.
Other names: c.260G>A, p.Ser87Asn (NM_001146039.2); c.-206G>A (NM_001320252.2); c.209G>A, p.Ser70Asn (NM_001410894.1); short protein forms S70N, S87N.
Identifiers: ClinVar variation 1990715 (VCV001990715.4), dbSNP rs2525929702, ClinGen allele CA343162469.

ClinVar aggregate classification (germline): Uncertain significance (1 of 4 stars; one submission).

Allele frequency attached by ClinVar (database versions not stated): gnomAD exomes below 0.00001.
gnomAD v4.1: 1 of 1,614,082 alleles (0.000062%); highest among the groups gnomAD compares: Non-Finnish European, 0.000085%; no homozygotes.

Submission:

Labcorp Genetics (formerly Invitae), Labcorp
Classification: Uncertain significance. Last evaluated: 2022-08-15. Review status: criteria provided, single submitter. Criteria: Invitae Variant Classification Sherloc (09022015). Collection method: clinical testing. Allele origin: germline.
Comment: In summary, the available evidence is currently insufficient to determine the role of this variant in disease. Therefore, it has been classified as a Variant of Uncertain Significance. Algorithms developed to predict the effect of missense changes on protein structure and function output the following: SIFT: "Tolerated"; PolyPhen-2: "Benign"; Align-GVGD: "Class C0". The asparagine amino acid residue is found in multiple mammalian species, which suggests that this missense change does not adversely affect protein function. This variant has not been reported in the literature in individuals affected with GORAB-related conditions. This variant is not present in population databases (gnomAD no frequency). This sequence change replaces serine, which is neutral and polar, with asparagine, which is neutral and polar, at codon 112 of the GORAB protein (p.Ser112Asn).